The following is an entry in ClinVar:

ClinVar aggregate classification (germline): Uncertain significance (1 of 4 stars; one submission).

Allele frequency attached by ClinVar (database versions not stated): ExAC 0.00001.

Submission:

Labcorp Genetics (formerly Invitae), Labcorp
Classification: Uncertain significance. Last evaluated: 2022-07-17. Review status: criteria provided, single submitter. Criteria: Invitae Variant Classification Sherloc (09022015). Collection method: clinical testing. Allele origin: germline.
Comment: This sequence change falls in intron 8 of the ACAD9 gene. It does not directly change the encoded amino acid sequence of the ACAD9 protein. This variant is present in population databases (rs760246441, gnomAD 0.0009%). This variant has not been reported in the literature in individuals affected with ACAD9-related conditions. Algorithms developed to predict the effect of sequence changes on RNA splicing suggest that this variant may create or strengthen a splice site. In summary, the available evidence is currently insufficient to determine the role of this variant in disease. Therefore, it has been classified as a Variant of Uncertain Significance.

NM_014049.5(ACAD9):c.883-14T>G

Genes: ACAD9 (acyl-CoA dehydrogenase family member 9; plus strand), LOC126806807 (BRD4-independent group 4 enhancer GRCh37_chr3:128620937-128622136; plus strand). Cytogenetic location: 3q21.3.
Variant type: single nucleotide variant.
Coding change: c.883-14T>G on transcript NM_014049.5 (MANE Select); 14 bases into the intron before coding-DNA position 883, T replaced by G.
Molecular consequence: intron variant.
Genome position (GRCh38, 1-based): chr3:128,902,539, T>G. VCF-style: chr3-128902539-T-G. GRCh37 (hg19) VCF-style: chr3-128621382-T-G.
Identifiers: ClinVar variation 2161897 (VCV002161897.1), dbSNP rs760246441, ClinGen allele CA2601332.
Genomic context (GRCh38, chr3:128,902,539, plus strand): 5'-CTGGCCTGGTTTCGTTGCGGCCTCCTCCCTCTGCCTCCTTCAGGGCCCCTGGGCTCTCCC[T>G]GTTCTCCCTGCAGGTGGCCATGAACATCCTCAACAGCGGCCGGTTCAGCATGGGCAGCGT-3'